The following is an entry in ClinVar:

NM_005219.5(DIAPH1):c.2245C>G (p.Pro749Ala)

Gene: DIAPH1 (diaphanous related formin 1; minus strand). Cytogenetic location: 5q31.3.
Variant type: single nucleotide variant.
Coding change: c.2245C>G on transcript NM_005219.5 (MANE Select); coding-DNA position 2245, C replaced by G.
Protein change: p.Pro749Ala; replaces proline 749 with alanine.
Molecular consequence: missense variant.
Genome position (GRCh38, 1-based): chr5:141,573,605, G>C on the plus strand (C>G on the coding strand, the complement: DIAPH1 is on the minus strand). VCF-style: chr5-141573605-G-C. GRCh37 (hg19) VCF-style: chr5-140953172-G-C.
Other names: c.2218C>G, p.Pro740Ala (NM_001079812.3); c.2245C>G, p.Pro749Ala (NM_001314007.2); short protein forms P740A, P749A.
Identifiers: ClinVar variation 4991171 (VCV004991171.1).

ClinVar aggregate classification (germline): Uncertain significance (1 of 4 stars; one submission).

Conditions:
DIAPH1-related disorder. Also called: DIAPH1-related condition.

gnomAD v4.1: 4 of 1,614,020 alleles (0.00025%); highest among the groups gnomAD compares: Non-Finnish European, 0.00034%; no homozygotes.

Submission:

PreventionGenetics, part of Exact Sciences
Classification: Uncertain significance for DIAPH1-related condition. Last evaluated: 2026-09-11. Review status: criteria provided, single submitter. Criteria: ACMG Guidelines, 2015. Collection method: clinical testing. Allele origin: germline.
Comment: The DIAPH1 c.2245C>G variant is predicted to result in the amino acid substitution p.Pro749Ala. To our knowledge, this variant has not been reported in the literature. This variant is reported in 0.00088% of alleles in individuals of European (Non-Finnish) descent in gnomAD. At this time, the clinical significance of this variant is uncertain due to the absence of conclusive functional and genetic evidence.